The following is an entry in ClinVar:

NM_000202.8(IDS):c.416dup (p.Gly140fs)

Gene: IDS (iduronate 2-sulfatase; minus strand). Cytogenetic location: Xq28.
Variant type: Duplication.
Coding change: c.416dup on transcript NM_000202.8 (MANE Select); coding-DNA position 416, one base duplicated (C; older notation c.416dupC).
Protein change: p.Gly140fs; shifts the reading frame from glycine 140.
Molecular consequence: frameshift variant. On other transcripts: non-coding transcript variant (1).
Genome position (GRCh38, 1-based): chrX:149,503,314, G duplicated on the plus strand (C on the coding strand, the reverse complement: IDS is on the minus strand); the first of 3 consecutive G bases (chrX:149,503,314-149,503,316); duplicating any one gives the same sequence. VCF-style (leftmost placement, unchanged base first): chrX-149503313-A-AG. GRCh37 (hg19) VCF-style: chrX-148584843-A-AG.
Other names: c.146dup, p.Gly50fs (NM_001166550.4); c.416dup, p.Gly140fs (NM_006123.5); short protein forms G140fs, G50fs.
Identifiers: ClinVar variation 3255708 (VCV003255708.2).

ClinVar aggregate classification (germline): Pathogenic (1 of 4 stars; one submission).

Conditions:
Mucopolysaccharidosis, MPS-II (MPS2). Also called: Hunter Syndrome; IDURONATE 2-SULFATASE DEFICIENCY; Mucopolysaccharidosis Type II; Mucopolysaccharidosis type 2; Attenuated MPS (subtype; formerly known as mild MPS II); Severe MPS II. Identifiers: Orphanet 580, Orphanet 79388, MedGen C0026705, MONDO:0010674, OMIM 309900.

Submission:

Laboratory of Diagnosis and Therapy of Lysosomal Disorders, University of Padova
Classification: Pathogenic for Mucopolysaccharidosis, MPS-II. Last evaluated: 2024-06-07. Review status: criteria provided, single submitter. Criteria: ACMG Guidelines, 2015. Collection method: literature only. Allele origin: germline. Affected: yes. Observed: 1 variant allele.
Comment: Null variant (PVS1_VeryStrong), Absent from controls (or at low frequency) in gnomAD database (PM2_Moderate), Patient’s phenotype or family history highly specific for the disease (PP4_Moderate)

Classification method: ACMG Guidelines [PMID:25741868] with modifications

Literature cited by the submitters: PubMed 27883178.